The following is an entry in ClinVar:

ClinVar aggregate classification (germline): Likely pathogenic. Review status: criteria provided, multiple submitters, no conflicts (2 of 4 stars). 2 submissions from 2 submitters: Likely pathogenic (2). Last evaluated 2024-07-02.

Conditions:
Oculocutaneous albinism type 1A (OCA1A). Also called: Albinism, oculocutaneous, type IA. Identifiers: Orphanet 352731, Orphanet 79431, MedGen C4551504, MONDO:0008745, OMIM 203100. Disease mechanism: loss of function.
Oculocutaneous albinism type 1B (OCA1B). Also called: ALBINISM, OCULOCUTANEOUS, TYPE IB; ALBINISM, YELLOW MUTANT TYPE; YELLOW ALBINISM. Identifiers: Orphanet 352731, Orphanet 352737, Orphanet 79434, MedGen C1847024, MONDO:0011749, OMIM 606952.
SKIN/HAIR/EYE PIGMENTATION 3, LIGHT/DARK SKIN (SHEP3). Also called: SKIN/HAIR/EYE PIGMENTATION, VARIATION IN, 3; EYE COLOR 1; EYE COLOR, GREEN/BLUE; SKIN/HAIR/EYE PIGMENTATION 3, BLUE/GREEN EYE COLOR; SKIN/HAIR/EYE PIGMENTATION 3, FRECKLING. Identifiers: MedGen C2677190, OMIM 601800.

Submissions (2):

Genetic Services Laboratory, University of Chicago
Classification: Likely pathogenic. Last evaluated: 2024-07-02. Review status: criteria provided, single submitter. Criteria: ACMG Guidelines, 2015. Collection method: clinical testing. Allele origin: germline. Affected: yes.
Comment: This sequence change is a single base pair deletion in exon 1, c.549del. This sequence change results in an amino acid frameshift and creates a premature stop codon 41 amino acids downstream of the change, p.Ser184Glnfs*42. This sequence change is predicted to result in an abnormal transcript, which may be degraded, or may lead to the production of a truncated TYR protein with potentially abnormal function. The c.549del sequence change has not been described in population databases such as ExAC and gnomAD. This deletion does not appear to have been previously described in individuals with TYR -related disorders. While this deletion has not previously been described in the literature, other loss of function sequence changes in the TYR gene have been described in several individuals with TYR-related disorders (PMID: 23504663). This sequence change is likely pathogenic, however functional studies have not been performed to prove this conclusively.

Fulgent Genetics
Classification: Likely pathogenic for Oculocutaneous albinism type 1A; SKIN/HAIR/EYE PIGMENTATION 3, LIGHT/DARK SKIN; Oculocutaneous albinism type 1B. Last evaluated: 2024-06-25. Review status: criteria provided, single submitter. Criteria: ACMG Guidelines, 2015. Collection method: clinical testing. Allele origin: germline.

NM_000372.5(TYR):c.549del (p.Ser184fs)

Gene: TYR (tyrosinase; plus strand). Cytogenetic location: 11q14.3.
Variant type: Deletion.
Coding change: c.549del on transcript NM_000372.5 (MANE Select); coding-DNA position 549, one base deleted (G; older notation c.549delG).
Protein change: p.Ser184fs; shifts the reading frame from serine 184.
Molecular consequence: frameshift variant.
Genome position (GRCh38, 1-based): chr11:89,178,502, G deleted. VCF-style (leftmost placement, unchanged base first): chr11-89178501-TG-T. GRCh37 (hg19) VCF-style: chr11-88911669-TG-T.
Other names: c.549del (NM_000372.4); short protein forms S184fs.
Identifiers: ClinVar variation 3574112 (VCV003574112.3).